The following is an entry in ClinVar:

ClinVar aggregate classification (germline): Conflicting classifications of pathogenicity. Review status: criteria provided, conflicting classifications (1 of 4 stars). 2 submissions from 2 submitters: Uncertain significance (1); Likely benign (1). Last evaluated 2024-10-18.

Conditions:
Hereditary cancer-predisposing syndrome. Also called: Hereditary neoplastic syndrome; Neoplastic Syndromes, Hereditary; Tumor predisposition; Hereditary Cancer Syndrome. Identifiers: Orphanet 140162, MedGen C0027672, MeSH D009386, MONDO:0015356.

Allele frequency attached by ClinVar (database versions not stated): gnomAD exomes below 0.00001; ExAC 0.00001.
gnomAD v4.1: 1 of 1,613,778 alleles (0.000062%); no homozygotes.

Submissions (2):

Ambry Genetics
Classification: Likely benign for Hereditary cancer-predisposing syndrome. Last evaluated: 2024-10-18. Review status: criteria provided, single submitter. Criteria: Ambry Variant Classification Scheme 2023. Collection method: clinical testing. Allele origin: germline.

Labcorp Genetics (formerly Invitae), Labcorp
Classification: Uncertain significance. Last evaluated: 2024-04-29. Review status: criteria provided, single submitter. Criteria: Invitae Variant Classification Sherloc (09022015). Collection method: clinical testing. Allele origin: germline.
Comment: This sequence change affects codon 156 of the CTNNA1 mRNA. It is a 'silent' change, meaning that it does not change the encoded amino acid sequence of the CTNNA1 protein. It affects a nucleotide within the consensus splice site. This variant is present in population databases (rs747636658, gnomAD 0.0009%). This variant has not been reported in the literature in individuals affected with CTNNA1-related conditions. ClinVar contains an entry for this variant (Variation ID: 941675). Algorithms developed to predict the effect of sequence changes on RNA splicing suggest that this variant is not likely to affect RNA splicing. In summary, the available evidence is currently insufficient to determine the role of this variant in disease. Therefore, it has been classified as a Variant of Uncertain Significance.

NM_001903.5(CTNNA1):c.468T>C (p.Val156=)

Gene: CTNNA1 (catenin alpha 1; plus strand). Cytogenetic location: 5q31.2.
Variant type: single nucleotide variant.
Coding change: c.468T>C on transcript NM_001903.5 (MANE Select); coding-DNA position 468, T replaced by C.
Protein change: p.Val156=; no amino-acid change (valine 156 retained).
Molecular consequence: synonymous variant.
Genome position (GRCh38, 1-based): chr5:138,810,204, T>C. VCF-style: chr5-138810204-T-C. GRCh37 (hg19) VCF-style: chr5-138145893-T-C.
Other names: c.468T>C, p.Val156= (NM_001290307.3, NM_001323982.2, NM_001323983.1 and 3 more transcripts); c.159T>C, p.Val53= (NM_001290309.3); c.99T>C, p.Val33= (NM_001290310.3); c.468T>C (NM_001903.2).
Identifiers: ClinVar variation 941675 (VCV000941675.10), dbSNP rs747636658, ClinGen allele CA3431444.